The following is an entry in ClinVar:

NM_001099274.3(TINF2):c.718C>T (p.Leu240Phe)

Gene: TINF2 (TERF1 interacting nuclear factor 2; minus strand). Cytogenetic location: 14q12.
Variant type: single nucleotide variant.
Coding change: c.718C>T on transcript NM_001099274.3 (MANE Select); coding-DNA position 718, C replaced by T.
Protein change: p.Leu240Phe; replaces leucine 240 with phenylalanine.
Molecular consequence: missense variant.
Genome position (GRCh38, 1-based): chr14:24,240,762, G>A on the plus strand (C>T on the coding strand, the complement: TINF2 is on the minus strand). VCF-style: chr14-24240762-G-A. GRCh37 (hg19) VCF-style: chr14-24709968-G-A.
Other names: c.613C>T, p.Leu205Phe (NM_001363668.2); c.718C>T, p.Leu240Phe (NM_012461.3); short protein forms L205F, L240F.
Identifiers: ClinVar variation 661653 (VCV000661653.8), dbSNP rs1594551965, ClinGen allele CA389227003.

ClinVar aggregate classification (germline): Uncertain significance (1 of 4 stars; one submission).

Conditions:
Dyskeratosis congenita. Identifiers: Orphanet 1775, MedGen C0265965, MONDO:0015780.

Allele frequency attached by ClinVar (database versions not stated): gnomAD exomes below 0.00001.

Submission:

Labcorp Genetics (formerly Invitae), Labcorp
Classification: Uncertain significance for Dyskeratosis congenita. Last evaluated: 2026-02-01. Review status: criteria provided, single submitter. Criteria: Invitae Variant Classification Sherloc (09022015). Collection method: clinical testing. Allele origin: germline.
Comment: This sequence change replaces leucine, which is neutral and non-polar, with phenylalanine, which is neutral and non-polar, at codon 240 of the TINF2 protein (p.Leu240Phe). This variant is not present in population databases (gnomAD no frequency). This variant has not been reported in the literature in individuals affected with TINF2-related conditions. ClinVar contains an entry for this variant (Variation ID: 661653). An algorithm developed to predict the effect of missense changes on protein structure and function outputs the following: PolyPhen-2: "Possibly Damaging". The phenylalanine amino acid residue is found in multiple mammalian species, which suggests that this missense change does not adversely affect protein function. In summary, the available evidence is currently insufficient to determine the role of this variant in disease. Therefore, it has been classified as a Variant of Uncertain Significance.